The following is an entry in ClinVar:

NM_000179.3(MSH6):c.3414_3416del (p.Gly1139del)

Gene: MSH6 (mutS homolog 6; plus strand). Cytogenetic location: 2p16.3.
Variant type: Deletion.
Coding change: c.3414_3416del on transcript NM_000179.3 (MANE Select); coding-DNA positions 3414 to 3416, 3 bases deleted (GGG; older notation c.3414_3416delGGG).
Protein change: p.Gly1139del; deletes glycine 1139.
Molecular consequence: inframe deletion.
Genome position (GRCh38, 1-based): chr2:47,803,661-47,803,663, GGG deleted; deleting any 3 consecutive bases within chr2:47,803,658-47,803,663 gives the same sequence; the c. name uses the placement nearest the transcript's 3' end. VCF-style (leftmost placement, unchanged base first): chr2-47803657-TGGG-T. GRCh37 (hg19) VCF-style: chr2-48030796-TGGG-T.
Other names: c.3024_3026del, p.Gly1009del (NM_001281492.2); c.2508_2510del, p.Gly837del (NM_001281493.2, NM_001281494.2); short protein forms G1009del, G1139del, G837del.
Identifiers: ClinVar variation 986790 (VCV000986790.3), dbSNP rs587781544, ClinGen allele CA1139656965.
Genomic context (GRCh38, chr2:47,803,657, plus strand): 5'-GTGAGGAAGAGGAGCAGGAAAATGGCAAAGCCTATTGTGTGCTTGTTACTGGACCAAATA[TGGG>T]GGGCAAGTCTACGCTTATGAGACAGGTAACTGATTCTTAAAGTTTTGTTATCAGAAAGTC-3'

ClinVar aggregate classification (germline): Likely pathogenic (0 of 4 stars; one submission).

Conditions:
Lynch syndrome 5 (LYNCH5). Also called: Colorectal cancer, hereditary nonpolyposis, type 5; Hereditary non-polyposis colorectal cancer, type 5. Identifiers: Orphanet 144, MedGen C1833477, MONDO:0013710, OMIM 614350. Disease mechanism: loss of function.

Submission:

University of Washington Department of Laboratory Medicine, University of Washington
Classification: Likely pathogenic for Hereditary nonpolyposis colorectal cancer type 5. Last evaluated: 2018-06-11. Review status: no assertion criteria provided. Collection method: clinical testing. Allele origin: unknown. Affected: yes.
Comment: This variant is rare and affects an amino acid that is completely conserved and there is a missense variant affecting the same amino acid that is classified as likely pathogenic by one ClinVar submitter (MSH6 p.G1139V, ClinVar ID:433923). Observation of this variant in combination with a single somatic mutation in MSH6 in a tumor with phenotypic characteristics of Lynch syndrome provides additional support that the germline mutation disrupts MSH6 function and is likely to cause Lynch syndrome.